The following is an entry in ClinVar:

NM_030665.4(RAI1):c.5523G>A (p.Lys1841=)

Gene: RAI1 (retinoic acid induced 1; plus strand). Cytogenetic location: 17p11.2.
Variant type: single nucleotide variant.
Coding change: c.5523G>A on transcript NM_030665.4 (MANE Select); coding-DNA position 5523, G replaced by A.
Protein change: p.Lys1841=; no amino-acid change (lysine 1841 retained).
Molecular consequence: synonymous variant.
Genome position (GRCh38, 1-based): chr17:17,798,471, G>A. VCF-style: chr17-17798471-G-A. GRCh37 (hg19) VCF-style: chr17-17701785-G-A.
Identifiers: ClinVar variation 3345491 (VCV003345491.1).

ClinVar aggregate classification (germline): Likely benign (0 of 4 stars; one submission).

Conditions:
RAI1-related disorder. Also called: RAI1-related condition.

Submission:

PreventionGenetics, part of Exact Sciences
Classification: Likely benign for RAI1-related condition. Last evaluated: 2024-07-25. Review status: no assertion criteria provided. Collection method: clinical testing. Allele origin: germline.
Comment: This variant is classified as likely benign based on ACMG/AMP sequence variant interpretation guidelines (Richards et al. 2015 PMID: 25741868, with internal and published modifications).